The following is an entry in ClinVar:

ClinVar aggregate classification (germline): Likely pathogenic. Review status: reviewed by expert panel (3 of 4 stars). 7 submissions from 7 submitters: Likely pathogenic (1). 6 of the submissions do not count toward it. Last evaluated 2022-06-30.

Conditions:
Primary Mitochondrial Disorders. Identifiers: MedGen CN381104.
Interstitial nephritis. Also called: Tubulointerstitial nephritis. Identifiers: MedGen C0041349, MONDO:0001085, HP:0001970.
Mitochondrial disease. Also called: Mitochondrial disorder; Mitochondrial disorders. Identifiers: Orphanet 68380, MedGen C0751651, MeSH D028361, MONDO:0044970.
MELAS syndrome (MELAS). Also called: Juvenile myopathy, encephalopathy, lactic acidosis, stroke. Identifiers: Orphanet 550, MedGen C0162671, MONDO:0010789, OMIM 540000.
MERRF syndrome (MERRF). Also called: Myoclonus with epilepsy with ragged red fibers; Myoencephalopathy ragged-red fiber disease; MYOCLONIC EPILEPSY ASSOCIATED WITH RAGGED-RED FIBERS. Identifiers: Orphanet 551, MedGen C0162672, MONDO:0010790, OMIM 545000.
Epilepsy, mitochondrial. Identifiers: MedGen C4016624.

Submissions (7):

ClinGen Mitochondrial Disease Nuclear and Mitochondrial  Variant Curation Expert Panel, ClinGen
Classification: Likely pathogenic for Mitochondrial disease. Last evaluated: 2022-06-30. Review status: reviewed by expert panel. Criteria: clingen mito disease acmg specifications v1-1. Collection method: curation. Allele origin: germline. Inheritance: Mitochondrial inheritance.
Comment: The m.616T>C variant in MT-TF has been reported in at least 12 individuals from six families with features of a primary mitochondrial disease. Affected individuals had variable ages of onset (first few months of life with delays or seizures at 10 months old to late teenage years with renal disease or epilepsy). Several individuals had chronic kidney disease or renal failure; some even had transplants with non-recurrence of disease post-transplant. Other symptoms reported include developmental delay, epilepsy, status epilepticus (EPC), and myoclonus. Muscle biopsy revealed COX negative fibers. Heteroplasmy levels were the same in all affected probands as the variant was present at homoplasmy or > 97% in all tissues. Of note, some healthy family members had the variant at lower heteroplasmy levels but in at least one healthy family member, the variant was present at a heteroplasmy level as high as 92% (PS4_moderate; PMIDs: 31722346, 28267784, 20142618). There are no reports of de novo occurrence of this variant. This variant segregated with disease in multiple affected members in multiple families and several healthy family members had lower or undetectable levels of the variant (PP1_moderate; PMIDs: 31722346, 28267784, 20142618). This variant is absent in the GenBank dataset, Helix dataset, and gnomAD v3.1.2 (PM2_supporting). There is one cybrid study for this variant however the cybrid also had another mtDNA variant precluding scoring for PS3. There are no single fiber studies or other functional assays reported for this variant. The computational predictor MitoTIP suggests this variant is pathogenic (83.3 percentile) and HmtVAR predicts it to be pathogenic score of 0.5 (PP3). In summary, this variant meets criteria to be classified as likely pathogenic for primary mitochondrial disease inherited in a mitochondrial manner. This classification was approved by the NICHD/NINDS U24 Mitochondrial Disease Variant Curation Expert Panel on June 13, 2022. Mitochondrial DNA-specific ACMG/AMP criteria applied (PMID: 32906214): PS4_moderate, PP1_moderate, PP3, PM2_supporting.

3billion
Classification: Pathogenic for MERRF syndrome. Last evaluated: 2026-01-22. Review status: criteria provided, single submitter. Criteria: ACMG Guidelines, 2015. Collection method: clinical testing. Allele origin: germline. Affected: yes. Not counted in ClinVar's aggregate classification.
Comment: The variant is not observed in the gnomAD v4.1.0 dataset. Predicted Consequence/Location: Mitochondrial variant Functional studies provide moderate evidence of the variant having a damaging effect on the gene or gene product (PMID: 34607911, 35472031). In silico tool predictions suggest damaging effect of the variant on gene or gene product [MitoTIP: 17.47 (>= 12.65)]. The variant has been observed in at least two similarly affected unrelated individuals (PMID: 20142618, 28267784, 31722346, 31965079, 34607911, 35472031, 7116701). The variant has been reported at least twice as pathogenic with clinical assertions and evidence for the classification (3billion dataset/ClinVar ID: VCV000009576). Therefore, this variant is classified as Pathogenic according to the recommendation of ACMG/AMP guideline.

Variantyx, Inc.
Classification: Likely pathogenic for Primary mitochondrial disorders. Last evaluated: 2025-11-01. Review status: criteria provided, single submitter. Criteria: Variantyx Assertion Criteria 2022. Collection method: clinical testing. Allele origin: germline. Affected: yes. Not counted in ClinVar's aggregate classification.
Comment: The m.616T>C change is a variant in the MT-TF gene which encodes the mitochondrial transfer RNA for phenylalanine. Pathogenic variants in this gene have been associated with primary mitochondrial disorders. This variant has been reported in at least 4 unrelated affected individual(s) (PMID: 20142618, 28267784, 31722346, 35472031) (PS4_Moderate) and it has been observed to segregate with disease in at least 8 individuals from 3 families; unaffected family members may have lower to undetectable levels of the variant (PMID: 20142618, 35472031, 31722346) (PP1_Moderate). Computational algorithms support a deleterious effect on the gene or gene product (Aggregate Predicted Severity Score: 1) (PP3). This variant is absent from control populations (PM2). Other reputable laboratories have reported this variant as pathogenic or likely pathogenic, and this classification has been validated by an expert panel in ClinVar (PP5). Based on the current evidence, this variant is classified as likely pathogenic for primary mitochondrial disorders.

Mendelics
Classification: Pathogenic for Mitochondrial disease. Last evaluated: 2022-05-04. Review status: criteria provided, single submitter. Criteria: Mendelics Assertion Criteria 2019. Collection method: clinical testing. Allele origin: germline. Not counted in ClinVar's aggregate classification.

Joint Genome Diagnostic Labs from Nijmegen and Maastricht, Radboudumc and MUMC+
Classification: Pathogenic for Interstitial nephritis. Last evaluated: 2021-07-07. Review status: criteria provided, single submitter. Criteria: mtDNA variant interpretation. Collection method: clinical testing. Allele origin: maternal. Inheritance: Mitochondrial inheritance. Affected: yes. Not counted in ClinVar's aggregate classification.
Comment: The m.616T>C variant was observed in 1 family affected by tubulo-interstitial kidney disease (Connor et al. 2017). At least two members of this family were later found to additionally suffer from hypomagnesemia and hypokalemia.(Viering et al. 2021) The homoplasmic variant cosegregated with disease. The variant was scored as pathogenic based on the system published by Wong et al. (2020): PS5, PM7, PM9, PM10.

Wong Mito Lab, Molecular and Human Genetics, Baylor College of Medicine
Classification: Pathogenic for MELAS syndrome. Last evaluated: 2019-07-12. Review status: criteria provided, single submitter. Criteria: Modified ACMG Guidelines (Unpublished). Collection method: clinical testing. Allele origin: germline. Not counted in ClinVar's aggregate classification.
Comment: The NC_012920.1:m.616T>C variant in MT-TF gene is interpreted to be a Pathogenic variant based on the modified ACMG guidelines (unpublished). This variant meets the following evidence codes reported in the guidelines: PS5, PM7, PM9, PM10

OMIM
Classification: Pathogenic for EPILEPSY, MITOCHONDRIAL. Last evaluated: 2010-02-09. Review status: no assertion criteria provided. Collection method: literature only. Allele origin: germline. Not counted in ClinVar's aggregate classification.

Literature cited by the submitters: PubMed 28267784 (cited by 3billion); PubMed 20142618 (cited by 3 submitters); PubMed 7116701 (cited by 3billion); PubMed 31965079 (cited by 3billion and Wong Mito Lab, Molecular and Human Genetics, Baylor College of Medicine); PubMed 31722346 (cited by 3billion); PubMed 35472031 (cited by 3billion); PubMed 34607911 (cited by 3billion); DOI 10.1371/journal.pgen.1006620 (cited by Joint Genome Diagnostic Labs from Nijmegen and Maastricht, Radboudumc and MUMC+).

NC_012920.1(MT-TF):m.616T>C

Gene: MT-TF (mitochondrially encoded tRNA phenylalanine; plus strand).
Variant type: single nucleotide variant.
Genome position: chrM-616-T-C.
Other names: 616T-C.
Identifiers: ClinVar variation 9576 (VCV000009576.10), dbSNP rs387906420, ClinGen allele CA120552.
Genomic context (GRCh38, chrMT:616, plus strand): 5'-ACCCCAAAGACACCCCCCACAGTTTATGTAGCTTACCTCCTCAAAGCAATACACTGAAAA[T>C]GTTTAGACGGGCTCACATCACCCCATAAACAAATAGGTTTGGTCCTAGCCTTTCTATTAG-3'